The following is an entry in ClinVar:

NM_001164508.2(NEB):c.17736+1G>A

Gene: NEB (nebulin; minus strand). Cytogenetic location: 2q23.3.
Variant type: single nucleotide variant.
Coding change: c.17736+1G>A on transcript NM_001164508.2 (MANE Select); the canonical splice donor site of the intron after coding-DNA position 17736, G replaced by A.
Molecular consequence: splice donor variant.
Genome position (GRCh38, 1-based): chr2:151,568,315, C>T on the plus strand (G>A on the coding strand, the complement: NEB is on the minus strand). VCF-style: chr2-151568315-C-T. GRCh37 (hg19) VCF-style: chr2-152424829-C-T.
Other names: c.12633+1G>A (NM_004543.5); c.17736+1G>A (NM_001164507.2, NM_001271208.2).
Identifiers: ClinVar variation 2087076 (VCV002087076.4), dbSNP rs200090059, ClinGen allele CA57661468.

ClinVar aggregate classification (germline): Likely pathogenic (1 of 4 stars; one submission).

Conditions:
Nemaline myopathy 2 (NEM2). Also called: Nemaline myopathy 2, autosomal recessive. Identifiers: MedGen C1850569, MONDO:0009725, OMIM 256030.

Submission:

Labcorp Genetics (formerly Invitae), Labcorp
Classification: Likely pathogenic for Nemaline myopathy 2. Last evaluated: 2022-06-30. Review status: criteria provided, single submitter. Criteria: Invitae Variant Classification Sherloc (09022015). Collection method: clinical testing. Allele origin: germline.
Comment: In summary, the currently available evidence indicates that the variant is pathogenic, but additional data are needed to prove that conclusively. Therefore, this variant has been classified as Likely Pathogenic. Algorithms developed to predict the effect of sequence changes on RNA splicing suggest that this variant may disrupt the consensus splice site. This variant has not been reported in the literature in individuals affected with NEB-related conditions. This variant is not present in population databases (gnomAD no frequency). This sequence change affects a donor splice site in intron 112 of the NEB gene. It is expected to disrupt RNA splicing. Variants that disrupt the donor or acceptor splice site typically lead to a loss of protein function (PMID: 16199547), and loss-of-function variants in NEB are known to be pathogenic (PMID: 25205138).

Literature cited by the submitters: PubMed 16199547; PubMed 25205138.